The following is an entry in ClinVar:

NM_002161.6(IARS1):c.1021A>G (p.Ile341Val)

Gene: IARS1 (isoleucyl-tRNA synthetase 1; minus strand). Cytogenetic location: 9q22.31.
Variant type: single nucleotide variant.
Coding change: c.1021A>G on transcript NM_002161.6 (MANE Select); coding-DNA position 1021, A replaced by G.
Protein change: p.Ile341Val; replaces isoleucine 341 with valine.
Molecular consequence: missense variant. On other transcripts: non-coding transcript variant (1).
Genome position (GRCh38, 1-based): chr9:92,271,625, T>C on the plus strand (A>G on the coding strand, the complement: IARS1 is on the minus strand). VCF-style: chr9-92271625-T-C. GRCh37 (hg19) VCF-style: chr9-95033907-T-C.
Other names: c.1021A>G (NM_002161.5, NM_013417.2); c.1021A>G, p.Ile341Val (NM_001374299.1, NM_001374300.1, NM_001374301.1 and 14 more transcripts); c.1084A>G, p.Ile362Val (NM_001378569.1); c.1042A>G, p.Ile348Val (NM_001378571.1); c.898A>G, p.Ile300Val (NM_001378583.1); short protein forms I300V, I348V, I362V, I341V.
Identifiers: ClinVar variation 2054924 (VCV002054924.4), dbSNP rs141754545, ClinGen allele CA5122756.

ClinVar aggregate classification (germline): Uncertain significance. Review status: criteria provided, multiple submitters, no conflicts (2 of 4 stars). 3 submissions from 3 submitters: Uncertain significance (3). Last evaluated 2025-10-01.

Allele frequency attached by ClinVar (database versions not stated): gnomAD 0.00011; ExAC 0.00012; TOPMed 0.00012; ESP Exome Variant Server 0.00015; gnomAD exomes 0.00022.
gnomAD v4.1: 341 of 1,613,872 alleles (0.021%); highest among the groups gnomAD compares: Non-Finnish European, 0.027%; no homozygotes.

Submissions (3):

Labcorp Genetics (formerly Invitae), Labcorp
Classification: Uncertain significance. Last evaluated: 2025-10-01. Review status: criteria provided, single submitter. Criteria: Invitae Variant Classification Sherloc (09022015). Collection method: clinical testing. Allele origin: germline.
Comment: This sequence change replaces isoleucine, which is neutral and non-polar, with valine, which is neutral and non-polar, at codon 341 of the IARS protein (p.Ile341Val). This variant is present in population databases (rs141754545, gnomAD 0.02%). This variant has not been reported in the literature in individuals affected with IARS-related conditions. ClinVar contains an entry for this variant (Variation ID: 2054924). An algorithm developed to predict the effect of missense changes on protein structure and function (PolyPhen-2) suggests that this variant is likely to be tolerated. In summary, the available evidence is currently insufficient to determine the role of this variant in disease. Therefore, it has been classified as a Variant of Uncertain Significance.

GeneDx
Classification: Uncertain significance. Last evaluated: 2023-05-18. Review status: criteria provided, single submitter. Criteria: GeneDx Variant Classification Process June 2021. Collection method: clinical testing. Allele origin: germline. Affected: yes.
Comment: In silico analysis supports that this missense variant does not alter protein structure/function; Has not been previously published as pathogenic or benign to our knowledge

Ambry Genetics
Classification: Uncertain significance. Last evaluated: 2021-10-18. Review status: criteria provided, single submitter. Criteria: Ambry Variant Classification Scheme 2023. Collection method: clinical testing. Allele origin: germline.